The following is an entry in ClinVar:

ClinVar aggregate classification (germline): Uncertain significance (1 of 4 stars; one submission).

gnomAD v4.1: 1 of 1,614,102 alleles (0.000062%); no homozygotes.

Submission:

ARUP Laboratories, Molecular Genetics and Genomics, ARUP Laboratories
Classification: Uncertain significance. Last evaluated: 2024-03-11. Review status: criteria provided, single submitter. Criteria: ARUP Molecular Germline Variant Investigation Process 2024. Collection method: clinical testing. Allele origin: germline.
Comment: The TRIP11 c.3735G>C; p.Glu1245Asp variant (rs1029016154), to our knowledge, is not reported in the medical literature or gene specific databases. This variant is only found on one allele in the Genome Aggregation Database (v2.1.1), indicating it is not a common polymorphism. Computational analyses are uncertain whether this variant is neutral or deleterious (REVEL: 0.214). Due to limited information, the clinical significance of this variant is uncertain at this time.

NM_004239.4(TRIP11):c.3735G>C (p.Glu1245Asp)

Gene: TRIP11 (thyroid hormone receptor interactor 11; minus strand). Cytogenetic location: 14q32.12.
Variant type: single nucleotide variant.
Coding change: c.3735G>C on transcript NM_004239.4 (MANE Select); coding-DNA position 3735, G replaced by C.
Protein change: p.Glu1245Asp; replaces glutamic acid 1245 with aspartic acid.
Molecular consequence: missense variant.
Genome position (GRCh38, 1-based): chr14:92,004,241, C>G on the plus strand (G>C on the coding strand, the complement: TRIP11 is on the minus strand). VCF-style: chr14-92004241-C-G. GRCh37 (hg19) VCF-style: chr14-92470585-C-G.
Other names: c.3732G>C, p.Glu1244Asp (NM_001321851.1); short protein forms E1244D, E1245D.
Identifiers: ClinVar variation 3766505 (VCV003766505.1).